The following is an entry in ClinVar:

NM_206933.4(USH2A):c.4514del (p.Arg1505fs)

Gene: USH2A (usherin; minus strand). Cytogenetic location: 1q41.
Variant type: Deletion.
Coding change: c.4514del on transcript NM_206933.4 (MANE Select); coding-DNA position 4514, one base deleted (G; older notation c.4514delG).
Protein change: p.Arg1505fs; shifts the reading frame from arginine 1505.
Molecular consequence: frameshift variant.
Genome position (GRCh38, 1-based): chr1:216,175,365, C deleted on the plus strand (G on the coding strand, the reverse complement: USH2A is on the minus strand). VCF-style (leftmost placement, unchanged base first): chr1-216175364-TC-T. GRCh37 (hg19) VCF-style: chr1-216348706-TC-T.
Other names: c.4514del, p.Arg1505fs (NM_007123.6); short protein forms R1505fs.
Identifiers: ClinVar variation 5004406 (VCV005004406.1).

ClinVar aggregate classification (germline): Pathogenic (1 of 4 stars; one submission).

Conditions:
USH2A-related disorder. Also called: USH2A-related condition; USH2A-related disorders. Identifiers: MedGen CN239332.

Submission:

Myriad Genetics, Inc.
Classification: Pathogenic for USH2A-related disorder. Last evaluated: 2026-01-22. Review status: criteria provided, single submitter. Criteria: Myriad Autosomal Dominant, Autosomal Recessive and X-Linked Classification Criteria (2023). Collection method: clinical testing. Allele origin: unknown.
Comment: NM_206933.2(USH2A):c.4514delG(R1505Kfs*8) is a frameshift variant classified as pathogenic in the context of USH2A-related disorders. R1505Kfs*8 has not been observed in cases with relevant disease. Relevant functional assessments of this variant are not available in the literature. R1505Kfs*8 has not been observed in referenced population frequency databases. In summary, NM_206933.2(USH2A):c.4514delG(R1505Kfs*8) is a frameshift variant in a gene where loss of function is a known mechanism of disease and is predicted to disrupt protein function. Please note: this variant was assessed in the context of healthy population screening.